The following is an entry in ClinVar:

ClinVar aggregate classification (germline): Uncertain significance (1 of 4 stars; one submission).

Submission:

Labcorp Genetics (formerly Invitae), Labcorp
Classification: Uncertain significance. Last evaluated: 2020-03-18. Review status: criteria provided, single submitter. Criteria: Invitae Variant Classification Sherloc (09022015). Collection method: clinical testing. Allele origin: germline.
Comment: In summary, the available evidence is currently insufficient to determine the role of this variant in disease. Therefore, it has been classified as a Variant of Uncertain Significance. This sequence change replaces histidine with arginine at codon 287 of the LZTR1 protein (p.His287Arg). The histidine residue is highly conserved and there is a small physicochemical difference between histidine and arginine. This variant is not present in population databases (ExAC no frequency). This variant has not been reported in the literature in individuals with LZTR1-related conditions. Algorithms developed to predict the effect of missense changes on protein structure and function are either unavailable or do not agree on the potential impact of this missense change (SIFT: "Deleterious"; PolyPhen-2: "Probably Damaging"; Align-GVGD: "Class C0"). This variant disrupts the p.His287 amino acid residue in LZTR1. Other variant(s) that disrupt this residue have been determined to be pathogenic (PMID: 25795793). This suggests that this residue is clinically significant, and that variants that disrupt this residue are likely to be disease-causing.

Literature cited by the submitters: PubMed 25795793.

NM_006767.4(LZTR1):c.860A>G (p.His287Arg)

Gene: LZTR1 (leucine zipper like post translational regulator 1; plus strand). Cytogenetic location: 22q11.21.
Variant type: single nucleotide variant.
Coding change: c.860A>G on transcript NM_006767.4 (MANE Select); coding-DNA position 860, A replaced by G.
Protein change: p.His287Arg; replaces histidine 287 with arginine.
Molecular consequence: missense variant.
Genome position (GRCh38, 1-based): chr22:20,991,696, A>G. VCF-style: chr22-20991696-A-G. GRCh37 (hg19) VCF-style: chr22-21345985-A-G.
Other names: short protein forms H287R.
Identifiers: ClinVar variation 1037681 (VCV001037681.8), dbSNP rs1924612271, ClinGen allele CA410781278.